The following is an entry in ClinVar:

ClinVar aggregate classification (germline): Pathogenic (1 of 4 stars; one submission).

Conditions:
Bardet-Biedl syndrome 1 (BBS1). Identifiers: MedGen C2936862, MONDO:0008854, OMIM 209900. Disease mechanism: loss of function.

Submission:

Myriad Genetics, Inc.
Classification: Pathogenic for Bardet-Biedl syndrome 1. Last evaluated: 2026-03-10. Review status: criteria provided, single submitter. Criteria: Myriad Autosomal Dominant, Autosomal Recessive and X-Linked Classification Criteria (2023). Collection method: clinical testing. Allele origin: unknown.
Comment: NM_024649.4(BBS1):c.786_796del11(A264Pfs*93) is expected to be pathogenic in the context of Bardet-Biedl syndrome, BBS1-related. This variant is predicted to lead to an abnormal or absent protein product due to the creation of a premature termination codon in BBS1, a gene where loss-of-function variants are known to be pathogenic. Please note: this variant was assessed in the context of healthy population screening.

NM_024649.5(BBS1):c.786_796del (p.Ala264fs)

Genes: ZDHHC24 (zDHHC palmitoyltransferase 24; minus strand), BBS1 (Bardet-Biedl syndrome 1; plus strand). Cytogenetic location: 11q13.2.
Variant type: Deletion.
Coding change: c.786_796del on transcript NM_024649.5 (MANE Select); coding-DNA positions 786 to 796, 11 bases deleted (GCTTGCCGCGG).
Protein change: p.Ala264fs; shifts the reading frame from alanine 264.
Molecular consequence: frameshift variant. On other transcripts: 3 prime UTR variant (1).
Genome position (GRCh38, 1-based): chr11:66,521,332-66,521,342, GCTTGCCGCGG deleted; deleting any 11 consecutive bases within chr11:66,521,331-66,521,342 gives the same sequence; the c. name uses the placement nearest the transcript's 3' end. VCF-style (leftmost placement, unchanged base first): chr11-66521330-CGGCTTGCCGCG-C. GRCh37 (hg19) VCF-style: chr11-66288801-CGGCTTGCCGCG-C.
Other names: c.*147_*157del (NM_001348571.2); short protein forms A264fs.
Identifiers: ClinVar variation 5015661 (VCV005015661.1).